The following is an entry in ClinVar:

NM_000064.4(C3):c.4771A>G (p.Arg1591Gly)

Gene: C3 (complement C3; minus strand). Cytogenetic location: 19p13.3.
Variant type: single nucleotide variant.
Coding change: c.4771A>G on transcript NM_000064.4 (MANE Select); coding-DNA position 4771, A replaced by G.
Protein change: p.Arg1591Gly; replaces arginine 1591 with glycine.
Molecular consequence: missense variant.
Genome position (GRCh38, 1-based): chr19:6,678,231, T>C on the plus strand (A>G on the coding strand, the complement: C3 is on the minus strand). VCF-style: chr19-6678231-T-C. GRCh37 (hg19) VCF-style: chr19-6678242-T-C.
Other names: short protein forms R1591G.
Identifiers: ClinVar variation 4280237 (VCV004280237.1).

ClinVar aggregate classification (germline): Uncertain significance (1 of 4 stars; one submission).

Conditions:
Complement component 3 deficiency. Identifiers: Orphanet 280133, MedGen C3151071, MONDO:0013417, OMIM 613779.
C3 glomerulonephritis. Also called: Nephropathy due to CFHR5 Deficiency; C3 GLOMERULOPATHY 3. Identifiers: Orphanet 329931, MedGen C4055342, MONDO:0013892, OMIM 614809.
Atypical hemolytic-uremic syndrome. Identifiers: Orphanet 2134, MedGen C2931788, MONDO:0016244.

Submission:

Genomenon, Inc
Classification: Uncertain significance for Complement component 3 deficiency; C3 glomerulonephritis; Atypical hemolytic-uremic syndrome. Last evaluated: 2025-09-30. Review status: criteria provided, single submitter. Criteria: Genomenon Sequence Variant Interpretation Standards. Collection method: curation. Allele origin: germline. Affected: no.
Comment: C3 p.Arg1591Gly (c.4771A>G) is a missense variant that changes the amino acid at residue 1591 from Arginine to Glycine. This variant has been reported in the published literature (PMID:30131807). It is absent or not present at a significant frequency in gnomAD. In conclusion, we classify C3 p.Arg1591Gly (c.4771A>G) as a variant of unknown significance.

Literature cited by the submitters: PubMed 30131807.